The following is an entry in ClinVar:

NM_138927.4(SON):c.1796C>T (p.Pro599Leu)

Gene: SON (SON DNA and RNA binding protein; plus strand). Cytogenetic location: 21q22.11.
Variant type: single nucleotide variant.
Coding change: c.1796C>T on transcript NM_138927.4 (MANE Select); coding-DNA position 1796, C replaced by T.
Protein change: p.Pro599Leu; replaces proline 599 with leucine.
Molecular consequence: missense variant. On other transcripts: non-coding transcript variant (1), intron variant (1).
Genome position (GRCh38, 1-based): chr21:33,551,027, C>T. VCF-style: chr21-33551027-C-T. GRCh37 (hg19) VCF-style: chr21-34923333-C-T.
Other names: c.1796C>T, p.Pro599Leu (NM_001291411.2, NM_032195.3); c.244+4648C>T (NM_001291412.3); short protein forms P599L.
Identifiers: ClinVar variation 3605280 (VCV003605280.9).

ClinVar aggregate classification (germline): Uncertain significance. Review status: criteria provided, multiple submitters, no conflicts (2 of 4 stars). 2 submissions from 2 submitters: Uncertain significance (2). Last evaluated 2025-03-01.

Submissions (2):

CeGaT Center for Human Genetics Tuebingen
Classification: Uncertain significance. Last evaluated: 2025-03-01. Review status: criteria provided, single submitter. Criteria: CeGaT Center For Human Genetics Tuebingen Variant Classification Criteria Version 2. Collection method: clinical testing. Allele origin: germline. Affected: yes. Observed: 1 variant allele.
Comment: SON: PS2:Moderate

Labcorp Genetics (formerly Invitae), Labcorp
Classification: Uncertain significance. Last evaluated: 2024-10-22. Review status: criteria provided, single submitter. Criteria: Invitae Variant Classification Sherloc (09022015). Collection method: clinical testing. Allele origin: germline.
Comment: This sequence change replaces proline, which is neutral and non-polar, with leucine, which is neutral and non-polar, at codon 599 of the SON protein (p.Pro599Leu). This variant is present in population databases (rs766872986, gnomAD 0.003%). This variant has not been reported in the literature in individuals affected with SON-related conditions. An algorithm developed to predict the effect of missense changes on protein structure and function (PolyPhen-2) suggests that this variant is likely to be tolerated. In summary, the available evidence is currently insufficient to determine the role of this variant in disease. Therefore, it has been classified as a Variant of Uncertain Significance.